The following is an entry in ClinVar:

NM_000535.7(PMS2):c.69C>A (p.Val23=)

Gene: PMS2 (PMS1 homolog 2, mismatch repair system component; minus strand). Cytogenetic location: 7p22.1.
Variant type: single nucleotide variant.
Coding change: c.69C>A on transcript NM_000535.7 (MANE Select); coding-DNA position 69, C replaced by A.
Protein change: p.Val23=; no amino-acid change (valine 23 retained).
Molecular consequence: synonymous variant. On other transcripts: 5 prime UTR variant (38), non-coding transcript variant (1), intron variant (7).
Genome position (GRCh38, 1-based): chr7:6,005,986, G>T on the plus strand (C>A on the coding strand, the complement: PMS2 is on the minus strand). VCF-style: chr7-6005986-G-T. GRCh37 (hg19) VCF-style: chr7-6045617-G-T.
Other names: c.-337C>A (NM_001018040.1, NM_001322003.2, NM_001322005.2 and 11 more transcripts); c.69C>A, p.Val23= (NM_001322006.2, NM_001322014.2, NM_001406868.1 and 10 more transcripts); c.-147C>A (NM_001322007.2, NM_001406876.1, NM_001406883.1 and 4 more transcripts); c.-816C>A (NM_001322011.2, NM_001322012.2); c.-416C>A (NM_001322015.2, NM_001406875.1, NM_001406877.1 and 2 more transcripts); c.255C>A, p.Val85= (NM_001406866.1); c.-363C>A (NM_001406880.1); c.-284C>A (NM_001406888.1, NM_001406889.1, NM_001406892.1 and 5 more transcripts); and 7 more.
Identifiers: ClinVar variation 3232035 (VCV003232035.2), dbSNP rs2128846180, ClinGen allele CA453650326.

ClinVar aggregate classification (germline): Benign/Likely benign. Review status: criteria provided, multiple submitters, no conflicts (2 of 4 stars). 2 submissions from 2 submitters: Benign (1); Likely benign (1). Last evaluated 2025-01-23.

Conditions:
Lynch syndrome 4 (LYNCH4). Also called: Colorectal cancer, hereditary nonpolyposis, type 4; Hereditary non-polyposis colorectal cancer, type 4. Identifiers: Orphanet 144, MedGen C1838333, MONDO:0013699, OMIM 614337. Disease mechanism: loss of function.
Hereditary cancer-predisposing syndrome. Also called: Neoplastic Syndromes, Hereditary; Tumor predisposition; Hereditary neoplastic syndrome; Hereditary Cancer Syndrome. Identifiers: Orphanet 140162, MedGen C0027672, MeSH D009386, MONDO:0015356.

Submissions (2):

Myriad Genetics, Inc.
Classification: Benign for Lynch syndrome 4. Last evaluated: 2025-01-23. Review status: criteria provided, single submitter. Criteria: Myriad Autosomal Dominant, Autosomal Recessive and X-Linked Classification Criteria (2023). Collection method: clinical testing. Allele origin: unknown.
Comment: This variant is considered benign. This variant is a silent/synonymous amino acid change and it is not expected to impact splicing.

Ambry Genetics
Classification: Likely benign for Hereditary cancer-predisposing syndrome. Last evaluated: 2024-01-23. Review status: criteria provided, single submitter. Criteria: Ambry Variant Classification Scheme 2023. Collection method: clinical testing. Allele origin: germline.